The following is an entry in ClinVar:

NM_021008.4(DEAF1):c.74T>C (p.Val25Ala)

Gene: DEAF1 (DEAF1 transcription factor; minus strand). Cytogenetic location: 11p15.5.
Variant type: single nucleotide variant.
Coding change: c.74T>C on transcript NM_021008.4 (MANE Select); coding-DNA position 74, T replaced by C.
Protein change: p.Val25Ala; replaces valine 25 with alanine.
Molecular consequence: missense variant. On other transcripts: intron variant (1).
Genome position (GRCh38, 1-based): chr11:694,974, A>G on the plus strand (T>C on the coding strand, the complement: DEAF1 is on the minus strand). VCF-style: chr11-694974-A-G. GRCh37 (hg19) VCF-style: chr11-694974-A-G.
Other names: c.74T>C, p.Val25Ala (NM_001293634.2); c.-437-3376T>C (NM_001367390.1); short protein forms V25A.
Identifiers: ClinVar variation 1506004 (VCV001506004.8), dbSNP rs1861053325, ClinGen allele CA378940355.

ClinVar aggregate classification (germline): Uncertain significance (1 of 4 stars; one submission).

Submission:

Labcorp Genetics (formerly Invitae), Labcorp
Classification: Uncertain significance. Last evaluated: 2020-12-30. Review status: criteria provided, single submitter. Criteria: Invitae Variant Classification Sherloc (09022015). Collection method: clinical testing. Allele origin: germline.
Comment: In summary, the available evidence is currently insufficient to determine the role of this variant in disease. Therefore, it has been classified as a Variant of Uncertain Significance. Advanced modeling of protein sequence and biophysical properties (such as structural, functional, and spatial information, amino acid conservation, physicochemical variation, residue mobility, and thermodynamic stability) performed at Invitae indicates that this missense variant is not expected to disrupt DEAF1 protein function. This variant has not been reported in the literature in individuals with DEAF1-related conditions. The frequency data for this variant in the population databases is considered unreliable, as metrics indicate insufficient coverage at this position in the ExAC database. This sequence change replaces valine with alanine at codon 25 of the DEAF1 protein (p.Val25Ala). The valine residue is weakly conserved and there is a small physicochemical difference between valine and alanine.